The following is an entry in ClinVar:

ClinVar aggregate classification (germline): Uncertain significance (1 of 4 stars; one submission).

Conditions:
Neuromuscular disease caused by qualitative or quantitative defects of dysferlin. Also called: Qualitative or quantitative defects of dysferlin; Dysferlinopathy. Identifiers: Orphanet 207073, MedGen C2931687, MONDO:0016145.

gnomAD v4.1: 11 of 1,614,168 alleles (0.00068%); highest among the groups gnomAD compares: Non-Finnish European, 0.00093%; no homozygotes.

Submission:

Labcorp Genetics (formerly Invitae), Labcorp
Classification: Uncertain significance for Neuromuscular disease caused by qualitative or quantitative defects of dysferlin. Last evaluated: 2021-09-01. Review status: criteria provided, single submitter. Criteria: Invitae Variant Classification Sherloc (09022015). Collection method: clinical testing. Allele origin: germline.
Comment: This sequence change replaces aspartic acid with asparagine at codon 774 of the DYSF protein (p.Asp774Asn). The aspartic acid residue is moderately conserved and there is a small physicochemical difference between aspartic acid and asparagine. This variant is not present in population databases (ExAC no frequency). This variant has not been reported in the literature in individuals affected with DYSF-related conditions. Algorithms developed to predict the effect of missense changes on protein structure and function are either unavailable or do not agree on the potential impact of this missense change (SIFT: "Tolerated"; PolyPhen-2: "Possibly Damaging"; Align-GVGD: "Class C0"). In summary, the available evidence is currently insufficient to determine the role of this variant in disease. Therefore, it has been classified as a Variant of Uncertain Significance.

NM_001130987.2(DYSF):c.2374G>A (p.Asp792Asn)

Gene: DYSF (dysferlin; plus strand). Cytogenetic location: 2p13.2.
Variant type: single nucleotide variant.
Coding change: c.2374G>A on transcript NM_001130987.2 (MANE Select); coding-DNA position 2374, G replaced by A.
Protein change: p.Asp792Asn; replaces aspartic acid 792 with asparagine.
Molecular consequence: missense variant.
Genome position (GRCh38, 1-based): chr2:71,561,909, G>A. VCF-style: chr2-71561909-G-A. GRCh37 (hg19) VCF-style: chr2-71789039-G-A.
Other names: c.2323G>A, p.Asp775Asn (NM_001130455.2, NM_001130983.2); c.2278G>A, p.Asp760Asn (NM_001130976.2, NM_001130977.2); c.2320G>A, p.Asp774Asn (NM_001130978.2, NM_003494.4); c.2413G>A, p.Asp805Asn (NM_001130979.2); c.2371G>A, p.Asp791Asn (NM_001130980.2, NM_001130981.2); c.2416G>A, p.Asp806Asn (NM_001130982.2); c.2281G>A, p.Asp761Asn (NM_001130984.2, NM_001130986.2); c.2374G>A, p.Asp792Asn (NM_001130985.2); short protein forms D760N, D761N, D774N, D775N, D791N, D792N, D805N, D806N.
Identifiers: ClinVar variation 1053153 (VCV001053153.6), dbSNP rs2152803988, ClinGen allele CA347209892.